The following is an entry in ClinVar:

NM_001128840.3(CACNA1D):c.1634A>G (p.Tyr545Cys)

Gene: CACNA1D (calcium voltage-gated channel subunit alpha1 D; plus strand). Cytogenetic location: 3p21.1.
Variant type: single nucleotide variant.
Coding change: c.1634A>G on transcript NM_001128840.3 (MANE Select); coding-DNA position 1634, A replaced by G.
Protein change: p.Tyr545Cys; replaces tyrosine 545 with cysteine.
Molecular consequence: missense variant.
Genome position (GRCh38, 1-based): chr3:53,722,442, A>G. VCF-style: chr3-53722442-A-G. GRCh37 (hg19) VCF-style: chr3-53756469-A-G.
Other names: c.1694A>G, p.Tyr565Cys (NM_000720.4); c.1634A>G, p.Tyr545Cys (NM_001128839.3); short protein forms Y545C, Y565C.
Identifiers: ClinVar variation 3341037 (VCV003341037.1).

ClinVar aggregate classification (germline): Likely pathogenic (1 of 4 stars; one submission).

gnomAD v4.1: 1 of 1,614,160 alleles (0.000062%); highest among the groups gnomAD compares: Non-Finnish European, 0.000085%; no homozygotes.

Submission:

GeneDx
Classification: Likely pathogenic. Last evaluated: 2023-12-16. Review status: criteria provided, single submitter. Criteria: GeneDx Variant Classification Process June 2021. Collection method: clinical testing. Allele origin: germline. Affected: yes.
Comment: Not observed at significant frequency in large population cohorts (gnomAD); In silico analysis supports that this missense variant has a deleterious effect on protein structure/function; Has not been previously published as pathogenic or benign to our knowledge